The following is an entry in ClinVar:

ClinVar aggregate classification (germline): Uncertain significance (1 of 4 stars; one submission).

Conditions:
Hereditary cancer-predisposing syndrome. Also called: Tumor predisposition; Hereditary Cancer Syndrome; Neoplastic Syndromes, Hereditary; Hereditary neoplastic syndrome. Identifiers: Orphanet 140162, MedGen C0027672, MeSH D009386, MONDO:0015356.

Submission:

Ambry Genetics
Classification: Uncertain significance for Hereditary cancer-predisposing syndrome. Last evaluated: 2022-07-27. Review status: criteria provided, single submitter. Criteria: Ambry Variant Classification Scheme 2023. Collection method: clinical testing. Allele origin: germline.
Comment: The p.R958S variant (also known as c.2874A>T), located in coding exon 15 of the APC gene, results from an A to T substitution at nucleotide position 2874. The arginine at codon 958 is replaced by serine, an amino acid with dissimilar properties. This amino acid position is conserved. In addition, in silico predictors for this gene do not accurately predict pathogenicity. Since supporting evidence is limited at this time, the clinical significance of this alteration remains unclear.

NM_000038.6(APC):c.2874A>T (p.Arg958Ser)

Gene: APC (APC regulator of Wnt signaling pathway; plus strand). Cytogenetic location: 5q22.2.
Variant type: single nucleotide variant.
Coding change: c.2874A>T on transcript NM_000038.6 (MANE Select); coding-DNA position 2874, A replaced by T.
Protein change: p.Arg958Ser; replaces arginine 958 with serine.
Molecular consequence: missense variant.
Genome position (GRCh38, 1-based): chr5:112,838,468, A>T. VCF-style: chr5-112838468-A-T. GRCh37 (hg19) VCF-style: chr5-112174165-A-T.
Other names: c.2874A>T, p.Arg958Ser (NM_001127510.3, NM_001354895.2, NM_001407450.1); c.2820A>T, p.Arg940Ser (NM_001127511.3); c.2928A>T, p.Arg976Ser (NM_001354896.2, NM_001407447.1, NM_001407448.1 and 1 more transcripts); c.2904A>T, p.Arg968Ser (NM_001354897.2); c.2799A>T, p.Arg933Ser (NM_001354898.2); c.2790A>T, p.Arg930Ser (NM_001354899.2); c.2751A>T, p.Arg917Ser (NM_001354900.2); c.2697A>T, p.Arg899Ser (NM_001354901.2, NM_001407453.1); and 11 more; short protein forms R832S, R976S, R675S, R829S, R867S, R875S, R917S, R930S.
Identifiers: ClinVar variation 1797079 (VCV001797079.2), dbSNP rs2149879243, ClinGen allele CA16027602.